The following is an entry in ClinVar:

NM_020884.7(MYH7B):c.1269G>C (p.Val423=)

Gene: MYH7B (myosin heavy chain 7B; plus strand). Cytogenetic location: 20q11.22.
Variant type: single nucleotide variant.
Coding change: c.1269G>C on transcript NM_020884.7 (MANE Select); coding-DNA position 1269, G replaced by C.
Protein change: p.Val423=; no amino-acid change (valine 423 retained).
Molecular consequence: synonymous variant.
Genome position (GRCh38, 1-based): chr20:34,987,767, G>C. VCF-style: chr20-34987767-G-C. GRCh37 (hg19) VCF-style: chr20-33575570-G-C.
Other names: c.1395G>C (NM_020884.4).
Identifiers: ClinVar variation 2887904 (VCV002887904.4), dbSNP rs199919552, ClinGen allele CA9826891.

ClinVar aggregate classification (germline): Benign/Likely benign. Review status: criteria provided, multiple submitters, no conflicts (2 of 4 stars). 2 submissions from 2 submitters: Benign (1); Likely benign (1). Last evaluated 2026-07-13.

Conditions:
MYH7B-related disorder. Also called: MYH7B-related condition.

Allele frequency attached by ClinVar (database versions not stated): gnomAD 0.00009; ExAC 0.00019; TOPMed 0.00020; 1000 Genomes Project 0.00040; 1000 Genomes Project 30x 0.00047.
gnomAD v4.1: 84 of 1,614,200 alleles (0.0052%); highest among the groups gnomAD compares: East Asian, 0.16%; 1 homozygote.

Submissions (2):

PreventionGenetics, part of Exact Sciences
Classification: Likely benign for MYH7B-related condition. Last evaluated: 2026-07-13. Review status: criteria provided, single submitter. Criteria: ACMG Guidelines, 2015. Collection method: clinical testing. Allele origin: germline.
Comment: This variant is classified as likely benign based on ACMG/AMP sequence variant interpretation guidelines (Richards et al. 2015 PMID: 25741868, with internal and published modifications).

Labcorp Genetics (formerly Invitae), Labcorp
Classification: Benign. Last evaluated: 2025-01-29. Review status: criteria provided, single submitter. Criteria: Invitae Variant Classification Sherloc (09022015). Collection method: clinical testing. Allele origin: germline.